The following is an entry in ClinVar:

NM_000293.3(PHKB):c.1153G>A (p.Val385Ile)

Gene: PHKB (phosphorylase kinase regulatory subunit beta; plus strand). Cytogenetic location: 16q12.1.
Variant type: single nucleotide variant.
Coding change: c.1153G>A on transcript NM_000293.3 (MANE Select); coding-DNA position 1153, G replaced by A.
Protein change: p.Val385Ile; replaces valine 385 with isoleucine.
Molecular consequence: missense variant.
Genome position (GRCh38, 1-based): chr16:47,594,163, G>A. VCF-style: chr16-47594163-G-A. GRCh37 (hg19) VCF-style: chr16-47628074-G-A.
Other names: p.Val385Ile; c.1132G>A, p.Val378Ile (NM_001031835.3); c.1153G>A, p.Val385Ile (NM_001363837.1); short protein forms V378I, V385I.
Identifiers: ClinVar variation 945260 (VCV000945260.6), dbSNP rs981615352, ClinGen allele CA280224144.

ClinVar aggregate classification (germline): Uncertain significance. Review status: criteria provided, multiple submitters, no conflicts (2 of 4 stars). 2 submissions from 2 submitters: Uncertain significance (2). Last evaluated 2025-09-24.

Conditions:
Glycogen storage disease IXb (GSD9B). Also called: GLYCOGENOSIS OF LIVER AND MUSCLE, AUTOSOMAL RECESSIVE; GSD IXb; PHOSPHORYLASE KINASE DEFICIENCY OF LIVER AND MUSCLE, AUTOSOMAL RECESSIVE. Identifiers: Orphanet 79240, MedGen C0543514, MONDO:0009868, OMIM 261750.

Allele frequency attached by ClinVar (database versions not stated): gnomAD exomes below 0.00001; gnomAD 0.00002 and 0.00003; TOPMed 0.00005.
gnomAD v4.1: 6 of 1,572,180 alleles (0.00038%); highest among the groups gnomAD compares: African/African-American, 0.0081%; no homozygotes.

Submissions (2):

Mayo Clinic Laboratories, Mayo Clinic
Classification: Uncertain significance. Last evaluated: 2025-09-24. Review status: criteria provided, single submitter. Criteria: ACMG Guidelines, 2015. Collection method: clinical testing. Allele origin: germline. Observed: 1 variant allele.
Comment: PM2_supporting

Labcorp Genetics (formerly Invitae), Labcorp
Classification: Uncertain significance for Glycogen storage disease IXb. Last evaluated: 2021-08-24. Review status: criteria provided, single submitter. Criteria: Invitae Variant Classification Sherloc (09022015). Collection method: clinical testing. Allele origin: germline.